The following is an entry in ClinVar:

ClinVar aggregate classification (germline): Uncertain significance (1 of 4 stars; one submission).

Submission:

GeneDx
Classification: Uncertain significance. Last evaluated: 2024-06-04. Review status: criteria provided, single submitter. Criteria: GeneDx Variant Classification Process June 2021. Collection method: clinical testing. Allele origin: germline. Affected: yes.
Comment: Not observed at significant frequency in large population cohorts (gnomAD); In silico analysis supports that this missense variant has a deleterious effect on protein structure/function; Has not been previously published as pathogenic or benign to our knowledge

NM_017649.5(CNNM2):c.1210G>C (p.Glu404Gln)

Gene: CNNM2 (cyclin and CBS domain divalent metal cation transport mediator 2; plus strand). Cytogenetic location: 10q24.32.
Variant type: single nucleotide variant.
Coding change: c.1210G>C on transcript NM_017649.5 (MANE Select); coding-DNA position 1210, G replaced by C.
Protein change: p.Glu404Gln; replaces glutamic acid 404 with glutamine.
Molecular consequence: missense variant.
Genome position (GRCh38, 1-based): chr10:102,919,690, G>C. VCF-style: chr10-102919690-G-C. GRCh37 (hg19) VCF-style: chr10-104679447-G-C.
Other names: c.1210G>C, p.Glu404Gln (NM_199076.3, NM_199077.3); short protein forms E404Q.
Identifiers: ClinVar variation 3384520 (VCV003384520.1).